The following is an entry in ClinVar:

ClinVar aggregate classification (germline): Benign. Review status: criteria provided, multiple submitters, no conflicts (2 of 4 stars). 2 submissions from 2 submitters: Benign (2). Last evaluated 2018-06-14.

Allele frequency attached by ClinVar (database versions not stated): gnomAD 0.04167 and 0.04452; TOPMed 0.04512; 1000 Genomes Project 30x 0.07464; 1000 Genomes Project 0.07668.
gnomAD v4.1: 41,108 of 1,174,542 alleles (3.5%); highest among the groups gnomAD compares: East Asian, 14%; 1,363 homozygotes.

Submissions (2):

GeneDx
Classification: Benign. Last evaluated: 2018-06-14. Review status: criteria provided, single submitter. Criteria: GeneDx Variant Classification (06012015). Collection method: clinical testing. Allele origin: germline. Affected: yes.
Comment: This variant is considered likely benign or benign based on one or more of the following criteria: it is a conservative change, it occurs at a poorly conserved position in the protein, it is predicted to be benign by multiple in silico algorithms, and/or has population frequency not consistent with disease.

Breakthrough Genomics
Classification: Benign. Review status: criteria provided, single submitter. Criteria: ACMG Guidelines, 2015. Collection method: not provided. Allele origin: germline. Inheritance: Autosomal dominant inheritance. Affected: yes.

NM_001613.4(ACTA2):c.991-120C>T

Genes: ACTA2 (actin alpha 2, smooth muscle; minus strand), ACTA2-AS1 (ACTA2 antisense RNA 1; plus strand). Cytogenetic location: 10q23.31.
Variant type: single nucleotide variant.
Coding change: c.991-120C>T on transcript NM_001613.4 (MANE Select); 120 bases into the intron before coding-DNA position 991, C replaced by T.
Molecular consequence: intron variant. On other transcripts: non-coding transcript variant (1).
Genome position (GRCh38, 1-based): chr10:88,935,486, G>A on the plus strand (C>T on the coding strand, the complement: ACTA2 is on the minus strand). VCF-style: chr10-88935486-G-A. GRCh37 (hg19) VCF-style: chr10-90695243-G-A.
Other names: c.862-120C>T (NM_001406467.1, NM_001406468.1, NM_001406469.1); c.991-120C>T (NM_001320855.2, NM_001406462.1, NM_001141945.3 and 2 more transcripts); c.799-120C>T (NM_001406471.1); c.880-120C>T (NM_001406466.1).
Identifiers: ClinVar variation 674576 (VCV000674576.4), dbSNP rs3781212, ClinGen allele CA13248646.
Genomic context (GRCh38, chr10:88,935,486, plus strand): 5'-CGGTAGGACAGAGCCTGGATGTTCTACCATGGCCTAGTTTCTTGTTCAGCAGGGACACAG[G>A]CTTGTCTGTTAGATGCCAATTGTGTCCTAATTGTGTCATGTTCTTGGCAGGACCGCCAGA-3'